The following is an entry in ClinVar:

ClinVar aggregate classification (germline): Uncertain significance (1 of 4 stars; one submission).

Conditions:
Diamond-Blackfan anemia. Also called: Blackfan Diamond syndrome; Aregenerative anemia chronic congenital; Red cell aplasia, pure hereditary; Congenital hypoplastic anemia; Aase syndrome. Identifiers: Orphanet 124, MedGen C1260899, MeSH D029503, MONDO:0015253, HP:0004810.

gnomAD v4.1: 3 of 1,613,924 alleles (0.00019%); highest among the groups gnomAD compares: African/African-American, 0.0013%; no homozygotes.

Submission:

Labcorp Genetics (formerly Invitae), Labcorp
Classification: Uncertain significance for Diamond-Blackfan anemia. Last evaluated: 2023-02-03. Review status: criteria provided, single submitter. Criteria: Invitae Variant Classification Sherloc (09022015). Collection method: clinical testing. Allele origin: germline.
Comment: In summary, the available evidence is currently insufficient to determine the role of this variant in disease. Therefore, it has been classified as a Variant of Uncertain Significance. Variants that disrupt the consensus splice site are a relatively common cause of aberrant splicing (PMID: 17576681, 9536098). Algorithms developed to predict the effect of sequence changes on RNA splicing suggest that this variant is not likely to affect RNA splicing. This variant has been observed in individual(s) with Diamond-Blackfan anemia (PMID: 20960466). This variant is present in population databases (no rsID available, gnomAD 0.0009%). This sequence change falls in intron 5 of the RPS19 gene. It does not directly change the encoded amino acid sequence of the RPS19 protein. It affects a nucleotide within the consensus splice site.

Literature cited by the submitters: PubMed 17576681; PubMed 9536098; PubMed 20960466.

NM_001022.4(RPS19):c.411+6G>T

Genes: RPS19 (ribosomal protein S19; plus strand), RPS19-CD79A (RPS19-CD79A readthrough; plus strand). Cytogenetic location: 19q13.2.
Variant type: single nucleotide variant.
Coding change: c.411+6G>T on transcript NM_001022.4 (MANE Select); 6 bases into the intron after coding-DNA position 411, G replaced by T.
Molecular consequence: intron variant.
Genome position (GRCh38, 1-based): chr19:41,869,759, G>T. VCF-style: chr19-41869759-G-T. GRCh37 (hg19) VCF-style: chr19-42373829-G-T.
Other names: c.411+6G>T (NM_001321484.2, NM_001321483.2); c.424+6G>T (NM_001321485.2).
Identifiers: ClinVar variation 2748883 (VCV002748883.3), dbSNP rs138397598, ClinGen allele CA633185080.